The following is an entry in ClinVar:

NM_181486.4(TBX5):c.*4G>T

Gene: TBX5 (T-box transcription factor 5; minus strand). Cytogenetic location: 12q24.21.
Variant type: single nucleotide variant.
Coding change: c.*4G>T on transcript NM_181486.4 (MANE Select); 4 bases downstream of the stop codon, G replaced by T.
Molecular consequence: 3 prime UTR variant.
Genome position (GRCh38, 1-based): chr12:114,355,528, C>A on the plus strand (G>T on the coding strand, the complement: TBX5 is on the minus strand). VCF-style: chr12-114355528-C-A. GRCh37 (hg19) VCF-style: chr12-114793333-C-A.
Other names: c.*4G>T (NM_000192.3, NM_080717.4).
Identifiers: ClinVar variation 307302 (VCV000307302.5), dbSNP rs745708633, ClinGen allele CA6809313.

ClinVar aggregate classification (germline): Benign (1 of 4 stars; one submission).

Conditions:
Holt-Oram syndrome (HOS). Also called: Ventriculo-radial syndrome; Cardiac-limb syndrome; Heart-hand syndrome, type 1; TBX5-Related Holt-Oram Syndrome. Identifiers: Orphanet 392, MedGen C0265264, MONDO:0007732, OMIM 142900.

Allele frequency attached by ClinVar (database versions not stated): gnomAD 0.00003; ExAC 0.00002; TOPMed 0.00003.
gnomAD v4.1: 120 of 1,614,078 alleles (0.0074%); highest among the groups gnomAD compares: East Asian, 0.27%; no homozygotes.

Submission:

Illumina Laboratory Services, Illumina
Classification: Benign for Holt-Oram syndrome. Last evaluated: 2018-01-12. Review status: criteria provided, single submitter. Criteria: ICSL Variant Classification Criteria 13 December 2019. Collection method: clinical testing. Allele origin: germline.
Comment: This variant was observed in the ICSL laboratory as part of a predisposition screen in an ostensibly healthy population. It had not been previously curated by ICSL or reported in the Human Gene Mutation Database (HGMD: prior to June 1st, 2018), and was therefore a candidate for classification through an automated scoring system. Utilizing variant allele frequency, disease prevalence and penetrance estimates, and inheritance mode, an automated score was calculated to assess if this variant is too frequent to cause the disease. Based on the score and internal cut-off values, a variant classified as benign is not then subjected to further curation. The score for this variant resulted in a classification of benign for this disease.